The following is an entry in ClinVar:

NM_000384.3(APOB):c.10556C>T (p.Thr3519Ile)

Gene: APOB (apolipoprotein B; minus strand). Cytogenetic location: 2p24.1.
Variant type: single nucleotide variant.
Coding change: c.10556C>T on transcript NM_000384.3 (MANE Select); coding-DNA position 10556, C replaced by T.
Protein change: p.Thr3519Ile; replaces threonine 3519 with isoleucine.
Molecular consequence: missense variant.
Genome position (GRCh38, 1-based): chr2:21,006,312, G>A on the plus strand (C>T on the coding strand, the complement: APOB is on the minus strand). VCF-style: chr2-21006312-G-A. GRCh37 (hg19) VCF-style: chr2-21229184-G-A.
Other names: short protein forms T3519I.
Identifiers: ClinVar variation 402381 (VCV000402381.5), dbSNP rs746951119, ClinGen allele CA044036.

ClinVar aggregate classification (germline): Uncertain significance. Review status: criteria provided, multiple submitters, no conflicts (2 of 4 stars). 2 submissions from 2 submitters: Uncertain significance (2). Last evaluated 2025-03-16.

Conditions:
Hypercholesterolemia, autosomal dominant, type B (FHCL2). Also called: APOB-Related Familial Hypercholesterolemia, Autosomal Dominant; Familial Hypercholesterolemia Type B; APOLIPOPROTEIN B-100, FAMILIAL DEFECTIVE; APOLIPOPROTEIN B-100, FAMILIAL LIGAND-DEFECTIVE; Hyperlipoproteinemia Type IIb; Familial hypercholesterolemia 2. Identifiers: MedGen C1704417, MONDO:0007751, OMIM 144010.
Familial hypobetalipoproteinemia 1. Also called: APOB-Related Familial Hypobetalipoproteinemia; Hypobetalipoproteinemia, normotriglyceridemic; Acanthocytosis with hypobetalipoproteinemia. Identifiers: MedGen C4551990, MONDO:0014252, OMIM 615558.

Allele frequency attached by ClinVar (database versions not stated): gnomAD exomes below 0.00001; ExAC 0.00001.
gnomAD v4.1: 8 of 1,614,056 alleles (0.0005%); highest among the groups gnomAD compares: Non-Finnish European, 0.00059%; no homozygotes.

Submissions (2):

Labcorp Genetics (formerly Invitae), Labcorp
Classification: Uncertain significance for Familial hypobetalipoproteinemia 1; Hypercholesterolemia, autosomal dominant, type B. Last evaluated: 2025-03-16. Review status: criteria provided, single submitter. Criteria: Invitae Variant Classification Sherloc (09022015). Collection method: clinical testing. Allele origin: germline.
Comment: This sequence change replaces threonine, which is neutral and polar, with isoleucine, which is neutral and non-polar, at codon 3519 of the APOB protein (p.Thr3519Ile). This variant is present in population databases (rs746951119, gnomAD 0.0009%). This missense change has been observed in individual(s) with hypercholesterolemia (PMID: 11781700). This variant is also known as Thr3492Ile. ClinVar contains an entry for this variant (Variation ID: 402381). Invitae Evidence Modeling of protein sequence and biophysical properties (such as structural, functional, and spatial information, amino acid conservation, physicochemical variation, residue mobility, and thermodynamic stability) indicates that this missense variant is not expected to disrupt APOB protein function with a negative predictive value of 95%. In summary, the available evidence is currently insufficient to determine the role of this variant in disease. Therefore, it has been classified as a Variant of Uncertain Significance.

Laboratory for Molecular Medicine, Mass General Brigham Personalized Medicine
Classification: Uncertain significance. Last evaluated: 2016-10-13. Review status: criteria provided, single submitter. Criteria: LMM Criteria. Collection method: clinical testing. Allele origin: germline.
Comment: Variant identified in a genome or exome case(s) and assessed due to predicted null impact of the variant or pathogenic assertions in the literature or databases. Disclaimer: This variant has not undergone full assessment. The following are preliminary notes: Variant not seen before. MaxMAF is 0.002%. AA is not conserved. Hedgehog has Ile.

Literature cited by the submitters: PubMed 11781700 (cited by Labcorp Genetics (formerly Invitae), Labcorp).